The following is an entry in ClinVar:

ClinVar aggregate classification (germline): Uncertain significance. Review status: criteria provided, multiple submitters, no conflicts (2 of 4 stars). 3 submissions from 3 submitters: Uncertain significance (3). Last evaluated 2026-04-01.

Conditions:
Cardiovascular phenotype. Identifiers: MedGen CN230736.
Myofibrillar myopathy 4. Also called: Zaspopathy (type). Identifiers: Orphanet 98912, MedGen C4721886, MONDO:0012277, OMIM 609452.

Allele frequency attached by ClinVar (database versions not stated): gnomAD exomes below 0.00001.

Submissions (3):

Ambry Genetics
Classification: Uncertain significance for Cardiovascular phenotype. Last evaluated: 2026-04-01. Review status: criteria provided, single submitter. Criteria: Ambry Variant Classification Scheme 2023. Collection method: clinical testing. Allele origin: germline.
Comment: The c.2027delT variant, located in coding exon 12 of the LDB3 gene, results from a deletion of one nucleotide at nucleotide position 2027, causing a translational frameshift with a predicted alternate stop codon (p.V676Gfs*27). This variant occurs at the 3' terminus of the gene, is not expected to trigger nonsense-mediated mRNAdecay, and impacts the last 7% of the protein. The exact functional effect of this variant is unknown. In addition, loss of function has not been established as a mechanism of disease. Based on the available evidence, the clinical significance of this variant remains unclear.

GeneDx
Classification: Uncertain significance. Last evaluated: 2022-11-29. Review status: criteria provided, single submitter. Criteria: GeneDx Variant Classification Process June 2021. Collection method: clinical testing. Allele origin: germline. Affected: yes.
Comment: Frameshift variant predicted to result in protein truncation as the last 52 amino acids are replaced with 26 different amino acids, although loss-of-function variants have not been reported downstream of this position in the protein; Not observed at significant frequency in large population cohorts (gnomAD); Has not been previously published as pathogenic or benign to our knowledge; Reported using an alternate transcript of the gene

Labcorp Genetics (formerly Invitae), Labcorp
Classification: Uncertain significance for Myofibrillar myopathy 4. Last evaluated: 2021-12-13. Review status: criteria provided, single submitter. Criteria: Invitae Variant Classification Sherloc (09022015). Collection method: clinical testing. Allele origin: germline.
Comment: In summary, the available evidence is currently insufficient to determine the role of this variant in disease. Therefore, it has been classified as a Variant of Uncertain Significance. This variant has not been reported in the literature in individuals affected with LDB3-related conditions. This variant is not present in population databases (gnomAD no frequency). This sequence change creates a premature translational stop signal (p.Val676Glyfs*27) in the LDB3 gene. It is expected to result in an absent or disrupted protein product. However, the current clinical and genetic evidence is not sufficient to establish whether loss-of-function variants in LDB3 cause disease. The LDB3 gene has multiple clinically relevant transcripts. This variant occurs in alternate transcript NM_007078.3, and corresponds to NM_001080116.1:c.*26811del in the primary transcript.

NM_007078.3(LDB3):c.2027del (p.Val676fs)

Gene: LDB3 (LIM domain binding 3; plus strand). Cytogenetic location: 10q23.2.
Variant type: Deletion.
Coding change: c.2027del on transcript NM_007078.3 (MANE Select); coding-DNA position 2027, one base deleted (T; older notation c.2027delT).
Protein change: p.Val676fs; shifts the reading frame from valine 676.
Molecular consequence: frameshift variant.
Genome position (GRCh38, 1-based): chr10:86,726,185, T deleted. VCF-style (leftmost placement, unchanged base first): chr10-86726184-GT-G. GRCh37 (hg19) VCF-style: chr10-88485941-GT-G.
Other names: c.2027delT (NM_007078.2); c.1697del, p.Val566fs (NM_001080114.2); c.2042del, p.Val681fs (NM_001171610.2); c.1838del, p.Val613fs (NM_001368064.1, NM_001368065.1); c.1886del, p.Val629fs (NM_001368066.1); short protein forms V681fs, V613fs, V629fs, V566fs, V676fs.
Identifiers: ClinVar variation 1493057 (VCV001493057.8), dbSNP rs2132503498, ClinGen allele CA2573145674.